The following is an entry in ClinVar:

NM_005751.5(AKAP9):c.5631del (p.Glu1877fs)

Gene: AKAP9 (A-kinase anchoring protein 9; plus strand). Cytogenetic location: 7q21.2.
Variant type: Deletion.
Coding change: c.5631del on transcript NM_005751.5 (MANE Select); coding-DNA position 5631, one base deleted (G; older notation c.5631delG).
Protein change: p.Glu1877fs; shifts the reading frame from glutamic acid 1877.
Molecular consequence: frameshift variant.
Genome position (GRCh38, 1-based): chr7:92,061,289, G deleted. VCF-style (leftmost placement, unchanged base first): chr7-92061288-AG-A. GRCh37 (hg19) VCF-style: chr7-91690602-AG-A.
Other names: c.276del, p.Glu92fs (NM_001379277.1); c.5631del, p.Glu1877fs (NM_147185.3); short protein forms E92fs, E1877fs.
Identifiers: ClinVar variation 1748766 (VCV001748766.2), dbSNP rs2535190771, ClinGen allele CA2580077441.
Genomic context (GRCh38, chr7:92,061,288, plus strand): 5'-TTCTTTTATGTATTGTTTCCCTCTTTGTTTAGCTTGAACATGCGAAAGTGACACAGACAG[AG>A]TTGATGCGTGAGTCATTTAGACAGAAACAAGAAGCAACAGAGTCCCTTAAGTGCCAAGAG-3'

ClinVar aggregate classification (germline): Uncertain significance (1 of 4 stars; one submission).

Conditions:
Cardiovascular phenotype. Identifiers: MedGen CN230736.

Allele frequency attached by ClinVar (database versions not stated): gnomAD exomes below 0.00001.

Submission:

Ambry Genetics
Classification: Uncertain significance for Cardiovascular phenotype. Last evaluated: 2022-06-02. Review status: criteria provided, single submitter. Criteria: Ambry Variant Classification Scheme 2023. Collection method: clinical testing. Allele origin: germline.
Comment: The c.5631delG variant, located in coding exon 23 of the AKAP9 gene, results from a deletion of one nucleotide at nucleotide position 5631, causing a translational frameshift with a predicted alternate stop codon (p.E1877Dfs*2). This alteration is expected to result in premature protein truncation or nonsense-mediated mRNA decay. However, loss of function of AKAP9 has not been clearly established as a mechanism of disease. The evidence for this gene-disease relationship is limited; therefore, the clinical significance of this alteration is unclear.